The following is an entry in ClinVar:

ClinVar aggregate classification (germline): Uncertain significance (1 of 4 stars; one submission).

Conditions:
Inborn genetic diseases. Identifiers: MedGen C0950123, MeSH D030342.

Allele frequency attached by ClinVar (database versions not stated): gnomAD 0.00001; gnomAD exomes 0.00001; TOPMed 0.00002.
gnomAD v4.1: 23 of 1,613,258 alleles (0.0014%); highest among the groups gnomAD compares: African/African-American, 0.0067%; no homozygotes.

Submission:

Ambry Genetics
Classification: Uncertain significance for Inborn genetic diseases. Last evaluated: 2021-10-05. Review status: criteria provided, single submitter. Criteria: Ambry Variant Classification Scheme 2023. Collection method: clinical testing. Allele origin: germline.
Comment: The c.2510+6G>A intronic alteration consists of a G to A substitution nucleotides after coding exon 10 in the COG1 gene. Based on insufficient or conflicting evidence, the clinical significance of this alteration remains unclear.

NM_018714.3(COG1):c.2510+6G>A

Gene: COG1 (component of oligomeric golgi complex 1; plus strand). Cytogenetic location: 17q25.1.
Variant type: single nucleotide variant.
Coding change: c.2510+6G>A on transcript NM_018714.3 (MANE Select); 6 bases into the intron after coding-DNA position 2510, G replaced by A.
Molecular consequence: intron variant.
Genome position (GRCh38, 1-based): chr17:73,205,686, G>A. VCF-style: chr17-73205686-G-A. GRCh37 (hg19) VCF-style: chr17-71201825-G-A.
Identifiers: ClinVar variation 2245493 (VCV002245493.2), dbSNP rs1042675418, ClinGen allele CA293810865.